The following is an entry in ClinVar:

ClinVar aggregate classification (germline): Uncertain significance. Review status: criteria provided, multiple submitters, no conflicts (2 of 4 stars). 2 submissions from 2 submitters: Uncertain significance (2). Last evaluated 2023-11-27.

Conditions:
Familial cancer of breast. Also called: BREAST CANCER, FAMILIAL; Hereditary breast cancer; hereditary breast carcinoma. Identifiers: Orphanet 227535, MedGen C0346153, MONDO:0016419, OMIM 114480. Disease mechanism: loss of function.
Ataxia-telangiectasia syndrome (AT). Also called: Ataxia-telangiectasia; LOUIS-BAR SYNDROME; Ataxia-telangiectasia, complementation group D; AT, COMPLEMENTATION GROUP C; ATAXIA-TELANGIECTASIA, COMPLEMENTATION GROUP A; ATAXIA-TELANGIECTASIA, FRESNO VARIANT. Identifiers: Orphanet 100, MedGen C0004135, MONDO:0008840, OMIM 208900.

Submissions (2):

Department of Pathology and Laboratory Medicine, Sinai Health System
Classification: Uncertain significance for Familial cancer of breast. Last evaluated: 2023-11-27. Review status: criteria provided, single submitter. Criteria: ACMG Guidelines, 2015. Collection method: clinical testing. Allele origin: germline. Affected: yes.

Labcorp Genetics (formerly Invitae), Labcorp
Classification: Uncertain significance for Ataxia-telangiectasia syndrome. Last evaluated: 2021-05-17. Review status: criteria provided, single submitter. Criteria: Invitae Variant Classification Sherloc (09022015). Collection method: clinical testing. Allele origin: germline.
Comment: This sequence change replaces alanine with serine at codon 2843 of the ATM protein (p.Ala2843Ser). The alanine residue is highly conserved and there is a moderate physicochemical difference between alanine and serine. In summary, the available evidence is currently insufficient to determine the role of this variant in disease. Therefore, it has been classified as a Variant of Uncertain Significance. Algorithms developed to predict the effect of missense changes on protein structure and function are either unavailable or do not agree on the potential impact of this missense change (SIFT: "Tolerated"; PolyPhen-2: "Possibly Damaging"; Align-GVGD: "Class C15"). This variant has not been reported in the literature in individuals with ATM-related conditions. This variant is not present in population databases (ExAC no frequency).

NM_000051.4(ATM):c.8527G>T (p.Ala2843Ser)

Genes: ATM (ATM serine/threonine kinase; plus strand), C11orf65 (chromosome 11 open reading frame 65; minus strand). Cytogenetic location: 11q22.3.
Variant type: single nucleotide variant.
Coding change: c.8527G>T on transcript NM_000051.4 (MANE Select); coding-DNA position 8527, G replaced by T.
Protein change: p.Ala2843Ser; replaces alanine 2843 with serine.
Molecular consequence: missense variant. On other transcripts: intron variant (2).
Genome position (GRCh38, 1-based): chr11:108,345,851, G>T. VCF-style: chr11-108345851-G-T. GRCh37 (hg19) VCF-style: chr11-108216578-G-T.
Other names: c.8527G>T, p.Ala2843Ser (NM_001351834.2); c.641-36780C>A (NM_001330368.2); c.695-10559C>A (NM_001351110.2); short protein forms A2843S.
Identifiers: ClinVar variation 1354185 (VCV001354185.9), dbSNP rs2137033579, ClinGen allele CA382518337.